The following is an entry in ClinVar:

ClinVar aggregate classification (germline): Uncertain significance (1 of 4 stars; one submission).

Conditions:
SERPINA1-related disorder. Also called: SERPINA1-related condition; SerpinA1-related disorders.

Submission:

PreventionGenetics, part of Exact Sciences
Classification: Uncertain significance for SERPINA1-related condition. Last evaluated: 2026-03-31. Review status: criteria provided, single submitter. Criteria: ACMG Guidelines, 2015. Collection method: clinical testing. Allele origin: germline.
Comment: The SERPINA1 c.-51dupC variant is located in the 5' untranslated region. This variant was reported in a cohort of heavy smokers and was associated with decreased serum α1-antitrypsin concentration and risk of PRM-functional small airways disease (Ortega et al. 2020. PubMed ID: 31661293). Additionally, an in vitro luciferase expression assay demonstrated that the c.-51dup variant decreased protein expression (Ortega et al. 2020. PubMed ID: 31661293). This variant is reported in 0.66% of alleles in individuals of African descent in gnomAD. At this time, the clinical significance of this variant is uncertain due to the absence of conclusive functional and genetic evidence.

NM_000295.4(SERPINA1):c.-51dupC

Gene: SERPINA1 (serpin family A member 1; minus strand). Cytogenetic location: 14q32.13.
Variant type: Duplication.
Coding change: c.-51dupC on transcript NM_000295.4; 51 bases upstream of the start codon, one base duplicated (C).
Molecular consequence: intron variant (on NM_001002235.3). On other transcripts: 5 prime UTR variant (8).
Genome position (GRCh38, 1-based): chr14:94,388,606, G duplicated on the plus strand (C on the coding strand, the reverse complement: SERPINA1 is on the minus strand); the first of 3 consecutive G bases (chr14:94,388,606-94,388,608); duplicating any one gives the same sequence. VCF-style (leftmost placement, unchanged base first): chr14-94388605-A-AG. GRCh37 (hg19) VCF-style: chr14-94854942-A-AG.
Other names: c.-5+1851dup (NM_001002235.3); c.-5+1814dup (NM_001127700.2); c.-51dup (NM_001002236.3, NM_001127701.2, NM_001127702.2 and 5 more transcripts).
Identifiers: ClinVar variation 3353870 (VCV003353870.2).